The following is an entry in ClinVar:

NM_003384.3(VRK1):c.637T>C (p.Tyr213His)

Gene: VRK1 (VRK serine/threonine kinase 1; plus strand). Cytogenetic location: 14q32.2.
Variant type: single nucleotide variant.
Coding change: c.637T>C on transcript NM_003384.3 (MANE Select); coding-DNA position 637, T replaced by C.
Protein change: p.Tyr213His; replaces tyrosine 213 with histidine.
Molecular consequence: missense variant.
Genome position (GRCh38, 1-based): chr14:96,855,284, T>C. VCF-style: chr14-96855284-T-C. GRCh37 (hg19) VCF-style: chr14-97321621-T-C.
Other names: short protein forms Y213H.
Identifiers: ClinVar variation 812546 (VCV000812546.12), dbSNP rs1595676477, ClinGen allele CA390931092.
Genomic context (GRCh38, chr14:96,855,284, plus strand): 5'-GTGTACTTGGTAGATTATGGCCTTGCTTATCGGTACTGCCCAGAAGGAGTTCATAAAGAA[T>C]ACAAAGAAGACCCCAAAAGATGTCACGATGGCACTATTGAATTCACGAGCATCGATGCAC-3'
Protein context (NP_003375.1, residues 203-223): RYCPEGVHKE[Tyr213His]KEDPKRCHDG

ClinVar aggregate classification (germline): Conflicting classifications of pathogenicity. Review status: criteria provided, conflicting classifications (1 of 4 stars). 3 submissions from 3 submitters: Pathogenic (1); Likely pathogenic (1); Uncertain significance (1). Last evaluated 2024-10-16.

Conditions:
Microcephaly-complex motor and sensory axonal neuropathy syndrome. Identifiers: Orphanet 423894, MedGen C4706585, MONDO:0018507.
EMG: neuropathic changes. Identifiers: MedGen C4021727, HP:0003445.
Pontocerebellar hypoplasia type 1A (PCH1A). Also called: PONTOCEREBELLAR HYPOPLASIA WITH ANTERIOR HORN CELL DISEASE; PONTOCEREBELLAR HYPOPLASIA WITH INFANTILE SPINAL MUSCULAR ATROPHY. Identifiers: Orphanet 2254, Orphanet 88616, MedGen C1843504, MONDO:0011866, OMIM 607596.

Submissions (3):

Labcorp Genetics (formerly Invitae), Labcorp
Classification: Uncertain significance for Pontocerebellar hypoplasia type 1A. Last evaluated: 2024-10-16. Review status: criteria provided, single submitter. Criteria: Invitae Variant Classification Sherloc (09022015). Collection method: clinical testing. Allele origin: germline.
Comment: This sequence change replaces tyrosine, which is neutral and polar, with histidine, which is basic and polar, at codon 213 of the VRK1 protein (p.Tyr213His). This variant is not present in population databases (gnomAD no frequency). This missense change has been observed in individual(s) with spinal muscular atrophy (PMID: 32365420). ClinVar contains an entry for this variant (Variation ID: 812546). An algorithm developed to predict the effect of missense changes on protein structure and function (PolyPhen-2) suggests that this variant is likely to be disruptive. Experimental studies have shown that this missense change affects VRK1 function (PMID: 32365420). In summary, the available evidence is currently insufficient to determine the role of this variant in disease. Therefore, it has been classified as a Variant of Uncertain Significance.

Fulgent Genetics
Classification: Likely pathogenic for Pontocerebellar hypoplasia type 1A. Last evaluated: 2021-08-04. Review status: criteria provided, single submitter. Criteria: ACMG Guidelines, 2015. Collection method: clinical testing. Allele origin: unknown.

Genetics, INEBIR
Classification: Pathogenic for EMG: neuropathic changes; Microcephaly-complex motor and sensory axonal neuropathy syndrome. Last evaluated: 2019-12-22. Review status: criteria provided, single submitter. Criteria: MartÃƒÂ­n-Doncel et al. (Sci Rep. 2019). Collection method: clinical testing, in vitro. Allele origin: inherited, not applicable. Inheritance: Autosomal recessive inheritance. Affected: yes. Observed: 1 homozygote. Functional consequence: Decreased function.
Comment: This is the first report of Tyr213His variant in VRK1 protein. It is a progressive disease affecting the lower motor neurons and characterized for a progressive muscle loss and weakness. Additionally, in vitro functional studies indicate that the Tyr213His is unable to phosphorylate several of its known substrates. Moreover, VRK1 (Y213H) was unable to form Cajal Bodies in human induced pluripotent stem cells of motor neurons. It is known that several mutations in VRK1 alters the dynamics of Cajal Bodies and that are related to neuromotor syndromes. Both function observed alterations meets our criteria to be classified as pathogenic.

Literature cited by the submitters: PubMed 32365420 (cited by Labcorp Genetics (formerly Invitae), Labcorp and Genetics, INEBIR).